The following is an entry in ClinVar:

ClinVar aggregate classification (germline): Conflicting classifications of pathogenicity. Review status: criteria provided, conflicting classifications (1 of 4 stars). 2 submissions from 2 submitters: Pathogenic (1); Uncertain significance (1). Last evaluated 2026-08-07.

Conditions:
Hereditary cancer-predisposing syndrome. Also called: Hereditary neoplastic syndrome; Neoplastic Syndromes, Hereditary; Tumor predisposition; Hereditary Cancer Syndrome. Identifiers: Orphanet 140162, MedGen C0027672, MeSH D009386, MONDO:0015356.

Submissions (2):

Ambry Genetics
Classification: Uncertain significance for Hereditary cancer-predisposing syndrome. Last evaluated: 2026-08-07. Review status: criteria provided, single submitter. Criteria: Ambry Variant Classification Scheme 2023. Collection method: clinical testing. Allele origin: germline.
Comment: The c.4629delT variant, located in coding exon 36 of the POLE gene, results from a deletion of one nucleotide at nucleotide position 4629, causing a translational frameshift with a predicted alternate stop codon (p.E1544Sfs*18). This alteration is expected to result in loss of function by premature protein truncation or nonsense-mediated mRNA decay. Although biallelic loss of function of POLE has been associated with autosomal recessive POLE deficiency, haploinsufficiency of POLE has not been established as a mechanism of disease for POLE-related polymerase proofreading-associated polyposis (PPAP) and POLE-related CMMRD-like syndrome. Based on the supporting evidence, this variant is expected to be causative of POLE deficiency when present along with a second pathogenic variant on the other allele; however, its clinical significance for PPAP and POLE-related CMMRD-like syndrome is unclear.

Labcorp Genetics (formerly Invitae), Labcorp
Classification: Pathogenic. Last evaluated: 2025-07-31. Review status: criteria provided, single submitter. Criteria: Invitae Variant Classification Sherloc (09022015). Collection method: clinical testing. Allele origin: germline.
Comment: This sequence change creates a premature translational stop signal (p.Glu1544Serfs*18) in the POLE gene. It is expected to result in an absent or disrupted protein product. Loss-of-function variants in POLE are known to be pathogenic (PMID: 23230001, 25948378, 30503519). This variant is not present in population databases (gnomAD no frequency). This variant has not been reported in the literature in individuals affected with POLE-related conditions. ClinVar contains an entry for this variant (Variation ID: 1897533). For these reasons, this variant has been classified as Pathogenic.

Literature cited by the submitters: PubMed 23230001 (cited by Labcorp Genetics (formerly Invitae), Labcorp); PubMed 25948378 (cited by Labcorp Genetics (formerly Invitae), Labcorp); PubMed 30503519 (cited by Labcorp Genetics (formerly Invitae), Labcorp).

NM_006231.4(POLE):c.4629del (p.Glu1544fs)

Gene: POLE (DNA polymerase epsilon, catalytic subunit; minus strand). Cytogenetic location: 12q24.33.
Variant type: Deletion.
Coding change: c.4629del on transcript NM_006231.4 (MANE Select); coding-DNA position 4629, one base deleted (T; older notation c.4629delT).
Protein change: p.Glu1544fs; shifts the reading frame from glutamic acid 1544.
Molecular consequence: frameshift variant.
Genome position (GRCh38, 1-based): chr12:132,642,919, A deleted on the plus strand (T on the coding strand, the reverse complement: POLE is on the minus strand). VCF-style (leftmost placement, unchanged base first): chr12-132642918-CA-C. GRCh37 (hg19) VCF-style: chr12-133219504-CA-C.
Other names: c.4629delT (NM_006231.2); short protein forms E1544fs.
Identifiers: ClinVar variation 1897533 (VCV001897533.6), dbSNP rs2541887724, ClinGen allele CA2580086017.
Genomic context (GRCh38, chr12:132,642,918, plus strand): 5'-TGGTCTTCAGGTCAGTTTCTGCCCGAACTTCGAAGGTGTGTTTGGGGGGTGGCAGGAGCT[CA>C]GGGCCCACCTTCTCCAGGAGGAGGCCGTGCTCTGCTGAGTACAGGGCGCCAAGGCTGGGC-3'